The following is an entry in ClinVar:

NM_001197104.2(KMT2A):c.7492C>A (p.Pro2498Thr)

Gene: KMT2A (lysine methyltransferase 2A; plus strand). Cytogenetic location: 11q23.3.
Variant type: single nucleotide variant.
Coding change: c.7492C>A on transcript NM_001197104.2 (MANE Select); coding-DNA position 7492, C replaced by A.
Protein change: p.Pro2498Thr; replaces proline 2498 with threonine.
Molecular consequence: missense variant.
Genome position (GRCh38, 1-based): chr11:118,503,384, C>A. VCF-style: chr11-118503384-C-A. GRCh37 (hg19) VCF-style: chr11-118374099-C-A.
Other names: c.7483C>A, p.Pro2495Thr (NM_005933.4); c.7492C>A (NM_001197104.1); short protein forms P2498T, P2495T.
Identifiers: ClinVar variation 1517894 (VCV001517894.7), dbSNP rs1565303363, ClinGen allele CA382805784.

ClinVar aggregate classification (germline): Uncertain significance. Review status: criteria provided, multiple submitters, no conflicts (2 of 4 stars). 2 submissions from 2 submitters: Uncertain significance (2). Last evaluated 2025-11-21.

Conditions:
Inborn genetic diseases. Identifiers: MedGen C0950123, MeSH D030342.

Allele frequency attached by ClinVar (database versions not stated): gnomAD exomes below 0.00001 and 0.00001.
gnomAD v4.1: 3 of 1,614,048 alleles (0.00019%); highest among the groups gnomAD compares: Non-Finnish European, 0.00025%; no homozygotes.

Submissions (2):

Labcorp Genetics (formerly Invitae), Labcorp
Classification: Uncertain significance. Last evaluated: 2025-11-21. Review status: criteria provided, single submitter. Criteria: Invitae Variant Classification Sherloc (09022015). Collection method: clinical testing. Allele origin: germline.
Comment: This sequence change replaces proline, which is neutral and non-polar, with threonine, which is neutral and polar, at codon 2498 of the KMT2A protein (p.Pro2498Thr). This variant is not present in population databases (gnomAD no frequency). This variant has not been reported in the literature in individuals affected with KMT2A-related conditions. ClinVar contains an entry for this variant (Variation ID: 1517894). Invitae Evidence Modeling of protein sequence and biophysical properties (such as structural, functional, and spatial information, amino acid conservation, physicochemical variation, residue mobility, and thermodynamic stability) indicates that this missense variant is not expected to disrupt KMT2A protein function with a negative predictive value of 95%. In summary, the available evidence is currently insufficient to determine the role of this variant in disease. Therefore, it has been classified as a Variant of Uncertain Significance.

Ambry Genetics
Classification: Uncertain significance for Inborn genetic diseases. Last evaluated: 2025-11-03. Review status: criteria provided, single submitter. Criteria: Ambry Variant Classification Scheme 2023. Collection method: clinical testing. Allele origin: germline.
Comment: The c.7492C>A (p.P2498T) alteration is located in exon 27 (coding exon 27) of the KMT2A gene. This alteration results from a C to A substitution at nucleotide position 7492, causing the proline (P) at amino acid position 2498 to be replaced by a threonine (T). Based on data from gnomAD, the A allele has an overall frequency of <0.001% (1/251380) total alleles studied. The highest observed frequency was 0.001% (1/113724) of European (non-Finnish) alleles. Based on insufficient or conflicting evidence, the clinical significance of this alteration remains unclear.